The following is an entry in ClinVar:

NM_001286.5(CLCN6):c.298T>A (p.Phe100Ile)

Gene: CLCN6 (chloride voltage-gated channel 6; plus strand). Cytogenetic location: 1p36.22.
Variant type: single nucleotide variant.
Coding change: c.298T>A on transcript NM_001286.5 (MANE Select); coding-DNA position 298, T replaced by A.
Protein change: p.Phe100Ile; replaces phenylalanine 100 with isoleucine.
Molecular consequence: missense variant. On other transcripts: non-coding transcript variant (1).
Genome position (GRCh38, 1-based): chr1:11,819,506, T>A. VCF-style: chr1-11819506-T-A. GRCh37 (hg19) VCF-style: chr1-11879563-T-A.
Other names: c.232T>A, p.Phe78Ile (NM_001256959.2); short protein forms F100I, F78I.
Identifiers: ClinVar variation 3651447 (VCV003651447.2).

ClinVar aggregate classification (germline): Uncertain significance (1 of 4 stars; one submission).

Submission:

Labcorp Genetics (formerly Invitae), Labcorp
Classification: Uncertain significance. Last evaluated: 2024-04-29. Review status: criteria provided, single submitter. Criteria: Invitae Variant Classification Sherloc (09022015). Collection method: clinical testing. Allele origin: germline.
Comment: This sequence change replaces phenylalanine, which is neutral and non-polar, with isoleucine, which is neutral and non-polar, at codon 100 of the CLCN6 protein (p.Phe100Ile). This variant is not present in population databases (gnomAD no frequency). This variant has not been reported in the literature in individuals affected with CLCN6-related conditions. An algorithm developed to predict the effect of missense changes on protein structure and function (PolyPhen-2) suggests that this variant is likely to be tolerated. In summary, the available evidence is currently insufficient to determine the role of this variant in disease. Therefore, it has been classified as a Variant of Uncertain Significance.